The following is an entry in ClinVar:

ClinVar aggregate classification (germline): Pathogenic (1 of 4 stars; one submission).

Conditions:
Long chain 3-hydroxyacyl-CoA dehydrogenase deficiency. Also called: Deficiency of long-chain 3-hydroxyacyl-coenzyme A dehydrogenase; LCHAD Deficiency. Identifiers: Orphanet 5, MedGen C3711645, MONDO:0012173, OMIM 609016.

Submission:

Myriad Genetics, Inc.
Classification: Pathogenic for Long chain 3-hydroxyacyl-CoA dehydrogenase deficiency. Last evaluated: 2025-05-17. Review status: criteria provided, single submitter. Criteria: Myriad Autosomal Dominant, Autosomal Recessive and X-Linked Classification Criteria (2023). Collection method: clinical testing. Allele origin: unknown.
Comment: NM_000182.4(HADHA):c.1058_1059delAAinsT(K353Ifs*19) is expected to be pathogenic in the context of HADHA-related disorders. This variant is predicted to lead to an abnormal or absent protein product due to the creation of a premature termination codon in HADHA, a gene where loss-of-function variants are known to be pathogenic. Please note: this variant was assessed in the context of healthy population screening.

NM_000182.5(HADHA):c.1058_1059delinsT (p.Lys353fs)

Gene: HADHA (hydroxyacyl-CoA dehydrogenase trifunctional multienzyme complex subunit alpha; minus strand). Cytogenetic location: 2p23.3.
Variant type: Indel.
Coding change: c.1058_1059delinsT on transcript NM_000182.5 (MANE Select); coding-DNA positions 1058 to 1059, AA replaced by T.
Protein change: p.Lys353fs; shifts the reading frame from lysine 353.
Molecular consequence: frameshift variant.
Genome position (GRCh38, 1-based): chr2:26,209,806-26,209,807, TT replaced by A on the plus strand (AA replaced by T on the coding strand, the reverse complement: HADHA is on the minus strand). VCF-style: chr2-26209806-TT-A. GRCh37 (hg19) VCF-style: chr2-26432675-TT-A.
Other names: short protein forms K353fs.
Identifiers: ClinVar variation 5013062 (VCV005013062.1).